The following is an entry in ClinVar:

NM_003072.5(SMARCA4):c.4238G>T (p.Arg1413Leu)

Gene: SMARCA4 (SWI/SNF related BAF chromatin remodeling complex subunit ATPase 4; plus strand). Cytogenetic location: 19p13.2.
Variant type: single nucleotide variant.
Coding change: c.4238G>T on transcript NM_003072.5 (MANE Select); coding-DNA position 4238, G replaced by T.
Protein change: p.Arg1413Leu; replaces arginine 1413 with leucine.
Molecular consequence: missense variant. On other transcripts: non-coding transcript variant (1).
Genome position (GRCh38, 1-based): chr19:11,041,374, G>T. VCF-style: chr19-11041374-G-T. GRCh37 (hg19) VCF-style: chr19-11152050-G-T.
Other names: c.4238G>T, p.Arg1413Leu (NM_001128844.3); c.4148G>T, p.Arg1383Leu (NM_001128845.2, NM_001128846.2); c.4139G>T, p.Arg1380Leu (NM_001128847.4, NM_001128848.2, NM_001374457.1); c.4334G>T, p.Arg1445Leu (NM_001128849.3, NM_001387283.1); c.4235G>T, p.Arg1412Leu (NM_001411150.1); short protein forms R1383L, R1413L, R1380L, R1412L, R1445L.
Identifiers: ClinVar variation 3320694 (VCV003320694.1).
Genomic context (GRCh38, chr19:11,041,374, plus strand): 5'-AGGAGGGCACGCTGGAGGAGATCGAAGAGGAGGTCCGGCAGAAGAAATCATCACGGAAGC[G>T]CAAGCGAGACAGCGACGCCGGCTCCTCCACCCCGACCACCAGCACCCGCAGCCGCGACAA-3'
Protein context (NP_003063.2, residues 1403-1423): EVRQKKSSRK[Arg1413Leu]KRDSDAGSST

ClinVar aggregate classification (germline): Uncertain significance (1 of 4 stars; one submission).

Conditions:
Hereditary cancer-predisposing syndrome. Also called: Neoplastic Syndromes, Hereditary; Tumor predisposition; Hereditary neoplastic syndrome; Hereditary Cancer Syndrome. Identifiers: Orphanet 140162, MedGen C0027672, MeSH D009386, MONDO:0015356.

Submission:

Ambry Genetics
Classification: Uncertain significance for Hereditary cancer-predisposing syndrome. Last evaluated: 2024-03-26. Review status: criteria provided, single submitter. Criteria: Ambry Variant Classification Scheme 2023. Collection method: clinical testing. Allele origin: germline.
Comment: The p.R1445L variant (also known as c.4334G>T), located in coding exon 30 of the SMARCA4 gene, results from a G to T substitution at nucleotide position 4334. The arginine at codon 1445 is replaced by leucine, an amino acid with dissimilar properties. This amino acid position is highly conserved in available vertebrate species. In addition, the in silico prediction for this alteration is inconclusive. Based on the available evidence, the clinical significance of this alteration remains unclear.